The following is an entry in ClinVar:

ClinVar aggregate classification (germline): Benign (0 of 4 stars; one submission).

Conditions:
HACL1-related disorder. Also called: HACL1-related condition.

Allele frequency attached by ClinVar (database versions not stated): TOPMed 0.10221; 1000 Genomes Project 30x 0.10665; gnomAD 0.10800; ESP Exome Variant Server 0.10887; 1000 Genomes Project 0.11102; ExAC 0.11487; gnomAD exomes 0.11647.
gnomAD v4.1: 179,647 of 1,551,692 alleles (12%); highest among the groups gnomAD compares: East Asian, 18%; 11,164 homozygotes.

Submission:

PreventionGenetics, part of Exact Sciences
Classification: Benign for HACL1-related condition. Last evaluated: 2024-05-15. Review status: no assertion criteria provided. Collection method: clinical testing. Allele origin: germline.
Comment: This variant is classified as benign based on ACMG/AMP sequence variant interpretation guidelines (Richards et al. 2015 PMID: 25741868, with internal and published modifications).

NM_012260.4(HACL1):c.1119G>A (p.Leu373=)

Gene: HACL1 (2-hydroxyacyl-CoA lyase 1; minus strand). Cytogenetic location: 3p25.1.
Variant type: single nucleotide variant.
Coding change: c.1119G>A on transcript NM_012260.4 (MANE Select); coding-DNA position 1119, G replaced by A.
Protein change: p.Leu373=; no amino-acid change (leucine 373 retained).
Molecular consequence: synonymous variant. On other transcripts: non-coding transcript variant (1).
Genome position (GRCh38, 1-based): chr3:15,568,563, C>T on the plus strand (G>A on the coding strand, the complement: HACL1 is on the minus strand). VCF-style: chr3-15568563-C-T. GRCh37 (hg19) VCF-style: chr3-15610070-C-T.
Other names: c.1038G>A, p.Leu346= (NM_001284413.2); c.939G>A, p.Leu313= (NM_001284415.2); c.873G>A, p.Leu291= (NM_001284416.2).
Identifiers: ClinVar variation 3057081 (VCV003057081.2), dbSNP rs905650, ClinGen allele CA2276608.
Genomic context (GRCh38, chr3:15,568,563, plus strand): 5'-GAAACAGTCTCTAGGTAGTTGTTCTTGAACATGGTAGAATACTGTGTAATAATTCATAGG[C>T]AGGGATTTTTTAGAAGCTAGTTCCTGAAAAGTAGATGGGAATATAATCAAATTAAATTGG-3'
Protein context (NP_036392.2, residues 363-383): ASKELASKKS[Leu373=]PMNYYTVFYH